The following is an entry in ClinVar:

ClinVar aggregate classification (germline): Uncertain significance. Review status: reviewed by expert panel (3 of 4 stars). 14 submissions from 14 submitters: Uncertain significance (1). 13 of the submissions do not count toward it. Last evaluated 2026-06-19.

Conditions:
ATM-related cancer predisposition. Also called: ATM-related cancer susceptibility. Identifiers: MedGen CN377759, MONDO:0700270.
Hereditary cancer-predisposing syndrome. Also called: Neoplastic Syndromes, Hereditary; Hereditary Cancer Syndrome; Tumor predisposition; Hereditary neoplastic syndrome. Identifiers: Orphanet 140162, MedGen C0027672, MeSH D009386, MONDO:0015356.
Familial cancer of breast. Also called: hereditary breast carcinoma; BREAST CANCER, FAMILIAL; Hereditary breast cancer. Identifiers: Orphanet 227535, MedGen C0346153, MONDO:0016419, OMIM 114480. Disease mechanism: loss of function.
Ataxia-telangiectasia syndrome (AT). Also called: Ataxia-telangiectasia, complementation group D; AT, COMPLEMENTATION GROUP C; Ataxia-telangiectasia, complementation group E; Cerebello-oculocutaneous telangiectasia; Immunodeficiency with ataxia telangiectasia; ATAXIA-TELANGIECTASIA, COMPLEMENTATION GROUP A. Identifiers: Orphanet 100, MedGen C0004135, MONDO:0008840, OMIM 208900.

Allele frequency attached by ClinVar (database versions not stated): ExAC 0.00001; gnomAD 0.00001; TOPMed 0.00001.
gnomAD v4.1: 37 of 1,613,628 alleles (0.0023%); highest among the groups gnomAD compares: South Asian, 0.0044%; no homozygotes.

Submissions (14):

ClinGen Hereditary Breast, Ovarian and Pancreatic Cancer Variant Curation Expert Panel, ClinGen
Classification: Uncertain significance for ATM-related cancer predisposition. Last evaluated: 2026-06-19. Review status: reviewed by expert panel. Criteria: ClinGen HBOP ACMG Specifications ATM V1.5.0. Collection method: curation. Allele origin: germline. Inheritance: Autosomal dominant inheritance.
Comment: The c.1748A>G variant in ATM is a missense variant predicted to cause substitution of tyrosine by cysteine at amino acid 583 (p.Tyr583Cys). The highest population minor allele frequency in gnomAD v4.1.1 is 0.0000439 in the South Asian population (PM2_Supporting, BS1, and BA1 are not met). The computational predictor REVEL gives a score of 0.081 (which is below the threshold of 0.249), and the splice site predictor SpliceAI indicated that the variant has no impact on splicing, evidence that does not predict a damaging effect on ATM function. In summary, this variant meets the criteria to be classified as a variant of uncertain significance for autosomal dominant ATM-related cancer predisposition and autosomal recessive Ataxia-Telangiectasia based on the ACMG/AMP criteria applied, as specified by the HBOP VCEP. (BP4)

Labcorp Genetics (formerly Invitae), Labcorp
Classification: Likely benign for Ataxia-telangiectasia syndrome. Last evaluated: 2025-12-03. Review status: criteria provided, single submitter. Criteria: Invitae Variant Classification Sherloc (09022015). Collection method: clinical testing. Allele origin: germline. Not counted in ClinVar's aggregate classification.

Quest Diagnostics Nichols Institute San Juan Capistrano
Classification: Uncertain significance. Last evaluated: 2025-08-19. Review status: criteria provided, single submitter. Criteria: Quest Diagnostics criteria. Collection method: clinical testing. Allele origin: unknown. Not counted in ClinVar's aggregate classification.

Institute for Biomarker Research, Medical Diagnostic Laboratories, L.L.C.
Classification: Uncertain significance for Hereditary cancer-predisposing syndrome. Last evaluated: 2025-01-15. Review status: criteria provided, single submitter. Criteria: ACMG Guidelines, 2015. Collection method: clinical testing. Allele origin: germline. Not counted in ClinVar's aggregate classification.
Comment: The missense variant NM_000051.4(ATM):c.1748A>G (p.Tyr583Cys) has not been reported previously as a pathogenic variant, to our knowledge. There is a large physicochemical difference between tyrosine and cysteine, which is likely to impact secondary protein structure as these residues differ in polarity, charge, size and/or other properties. The gene ATM has a low rate of benign missense variation as indicated by a high missense variants Z-Score of 2.52. The gene ATM contains 171 pathogenic missense variants, indicating that missense variants are a common mechanism of disease in this gene. For these reasons, this variant has been classified as Uncertain Significance.

Ambry Genetics
Classification: Likely benign for Hereditary cancer-predisposing syndrome. Last evaluated: 2024-11-13. Review status: criteria provided, single submitter. Criteria: Ambry Variant Classification Scheme 2023. Collection method: clinical testing. Allele origin: germline. Not counted in ClinVar's aggregate classification.

Color Diagnostics, LLC DBA Color Health
Classification: Uncertain significance for Hereditary cancer-predisposing syndrome. Last evaluated: 2024-09-04. Review status: criteria provided, single submitter. Criteria: ACMG Guidelines, 2015. Collection method: clinical testing. Allele origin: germline. Not counted in ClinVar's aggregate classification.
Comment: This missense variant replaces tyrosine with cysteine at codon 583 of the ATM protein. Computational prediction suggests that this variant may not impact protein structure and function. To our knowledge, functional studies have not been reported for this variant. This variant has been reported in individuals affected with breast cancer (PMID: 28779002, 29522266, 31719806, 33471991). In a large international case-control meta-analysis, this variant was reported in 2/60466 breast cancer cases and 3/53461 controls (PMID: 33471991). This variant has been identified in 4/250974 chromosomes in the general population by the Genome Aggregation Database (gnomAD). The available evidence is insufficient to determine the role of this variant in disease conclusively. Therefore, this variant is classified as a Variant of Uncertain Significance.

Molecular Pathology, Peter Maccallum Cancer Centre
Classification: Uncertain significance for Ataxia-telangiectasia syndrome. Last evaluated: 2024-07-24. Review status: criteria provided, single submitter. Criteria: ACMG Guidelines, 2015. Collection method: clinical testing. Allele origin: germline. Inheritance: Autosomal recessive inheritance. Not counted in ClinVar's aggregate classification.

Myriad Genetics, Inc.
Classification: Likely benign for Familial cancer of breast. Last evaluated: 2024-05-01. Review status: criteria provided, single submitter. Criteria: Myriad Autosomal Dominant, Autosomal Recessive and X-Linked Classification Criteria (2023). Collection method: clinical testing. Allele origin: unknown. Not counted in ClinVar's aggregate classification.
Comment: This variant is considered likely benign. This variant is strongly associated with less severe personal and family histories of cancer, typical for individuals without pathogenic variants in this gene [PMID: 25085752].

St. Jude Molecular Pathology, St. Jude Children's Research Hospital
Classification: Uncertain significance for Familial cancer of breast. Last evaluated: 2024-02-06. Review status: criteria provided, single submitter. Criteria: St. Jude Assertion Criteria 2020. Collection method: clinical testing. Allele origin: germline. Not counted in ClinVar's aggregate classification.
Comment: The ATM c.1748A>G (p.Tyr583Cys) missense change has a maximum subpopulation frequency of 0.003% in gnomAD v2.1.1. The in silico tool REVEL predicts a benign effect on protein function, but this prediction has not been confirmed by functional studies. This variant has not been reported in individuals with ataxia telangiectasia. In summary, the evidence currently available is insufficient to determine the clinical significance of this variant. It has therefore been classified as of uncertain significance.

Baylor Genetics
Classification: Uncertain significance for Familial cancer of breast. Last evaluated: 2023-08-31. Review status: criteria provided, single submitter. Criteria: ACMG Guidelines, 2015. Collection method: clinical testing. Allele origin: unknown. Not counted in ClinVar's aggregate classification.

GeneDx
Classification: Uncertain significance. Last evaluated: 2023-03-27. Review status: criteria provided, single submitter. Criteria: GeneDx Variant Classification Process June 2021. Collection method: clinical testing. Allele origin: germline. Affected: yes. Not counted in ClinVar's aggregate classification.
Comment: Not observed at significant frequency in large population cohorts (gnomAD); In silico analysis supports that this missense variant does not alter protein structure/function; Observed in individuals with breast cancer (Decker et al., 2017; Hauke et al., 2018); This variant is associated with the following publications: (PMID: 30287823, 25275298, 29522266, 28779002)

Eurofins Ntd Llc (ga)
Classification: Uncertain significance. Last evaluated: 2018-03-12. Review status: criteria provided, single submitter. Criteria: EGL ClinVar v180209 classification definitions. Collection method: clinical testing. Allele origin: germline. Observed: 1 variant allele, 1 heterozygote. Not counted in ClinVar's aggregate classification.

Illumina Laboratory Services, Illumina
Classification: Uncertain significance for Ataxia-telangiectasia syndrome. Last evaluated: 2018-01-12. Review status: criteria provided, single submitter. Criteria: ICSL Variant Classification Criteria 13 December 2019. Collection method: clinical testing. Allele origin: germline. Not counted in ClinVar's aggregate classification.

Women's Health and Genetics/Laboratory Corporation of America, LabCorp
Classification: Uncertain significance. Last evaluated: 2016-06-27. Review status: criteria provided, single submitter. Criteria: LabCorp Variant Classification Summary - May 2015. Collection method: clinical testing. Allele origin: germline. Not counted in ClinVar's aggregate classification.
Comment: Variant summary: The ATM c.1748A>G (p.Tyr583Cys) variant involves the alteration of a non-conserved nucleotide. 3/4 in silico tools predict a benign outcome (SNPs&GO not captured due to low reliability index). Tyr583 is not located in any known functional domain and is not highly conserved across species. This variant was found in 1/121140 control chromosomes at a frequency of 0.0000083, which does not exceed the estimated maximal expected allele frequency of a pathogenic ATM variant (0.0010005). The variant was reported to have been identified in one sample from a large panel of HNSCC-derived cells (Martin_Oncotarget_2014), but has not been cited in patients in the literature. In addition, multiple clinical diagnostic laboratories classified this variant as a VUS. In the absence of clinical information and functional studies, the variant was classified as a variant of uncertain significance (VUS) until additional information becomes available.

Literature cited by the submitters: PubMed 28779002 (cited by Color Diagnostics, LLC DBA Color Health); PubMed 29522266 (cited by Color Diagnostics, LLC DBA Color Health); PubMed 31719806 (cited by Color Diagnostics, LLC DBA Color Health); PubMed 33471991 (cited by Color Diagnostics, LLC DBA Color Health); PubMed 25085752 (cited by Myriad Genetics, Inc.); PubMed 25275298 (cited by Women's Health and Genetics/Laboratory Corporation of America, LabCorp).

NM_000051.4(ATM):c.1748A>G (p.Tyr583Cys)

Gene: ATM (ATM serine/threonine kinase; plus strand). Cytogenetic location: 11q22.3.
Variant type: single nucleotide variant.
Coding change: c.1748A>G on transcript NM_000051.4 (MANE Select); coding-DNA position 1748, A replaced by G.
Protein change: p.Tyr583Cys; replaces tyrosine 583 with cysteine.
Molecular consequence: missense variant.
Genome position (GRCh38, 1-based): chr11:108,251,977, A>G. VCF-style: chr11-108251977-A-G. GRCh37 (hg19) VCF-style: chr11-108122704-A-G.
Other names: p.Y583C:TAT>TGT; NM_000051.4(ATM):c.1748A>G; p.Tyr583Cys; c.1748A>G, p.Tyr583Cys (NM_001351834.2); short protein forms Y583C.
Identifiers: ClinVar variation 181989 (VCV000181989.39), dbSNP rs587780614, ClinGen allele CA298336.
Genomic context (GRCh38, chr11:108,251,977, plus strand): 5'-TGTGTGAAGTAAATAGAAGCTTTTCTTTAAAGGAATCAATAATGAAATGGCTCTTATTCT[A>G]TCAGTTAGAGGGTGACTTAGAAAATAGCACAGAAGTGCCTCCAATTCTTCACAGGTAATT-3'
Protein context (NP_000042.3, residues 573-593): KESIMKWLLF[Tyr583Cys]QLEGDLENST